The following is an entry in ClinVar:

NM_024921.4(POF1B):c.*686C>G

Gene: POF1B (POF1B actin binding protein; minus strand). Cytogenetic location: Xq21.1.
Variant type: single nucleotide variant.
Coding change: c.*686C>G on transcript NM_024921.4 (MANE Select); 686 bases downstream of the stop codon, C replaced by G.
Molecular consequence: 3 prime UTR variant.
Genome position (GRCh38, 1-based): chrX:85,278,735, G>C on the plus strand (C>G on the coding strand, the complement: POF1B is on the minus strand). VCF-style: chrX-85278735-G-C. GRCh37 (hg19) VCF-style: chrX-84533741-G-C.
Identifiers: ClinVar variation 913264 (VCV000913264.4), dbSNP rs191117227, ClinGen allele CA332539570.
Genomic context (GRCh38, chrX:85,278,735, plus strand): 5'-GTTATATGTTTTTTAAGAAGTAGGTAGGCTCATTTGGGGAAGGTATGCTTTGAAAGAACA[G>C]ATTTGCCAAGGGACTAATATGTACTTAGAACCAGAATAGCATACTGTATAATTTAGTGGA-3'

ClinVar aggregate classification (germline): Likely benign (1 of 4 stars; one submission).

Conditions:
Premature ovarian failure 2B. Identifiers: MedGen C1845105, MONDO:0010373, OMIM 300604.

Allele frequency attached by ClinVar (database versions not stated): TOPMed 0.00058; 1000 Genomes Project 30x 0.00083; 1000 Genomes Project 0.00106; gnomAD 0.00127 and 0.00130.

Submission:

Illumina Laboratory Services, Illumina
Classification: Likely benign for Premature ovarian failure 2B. Last evaluated: 2018-01-13. Review status: criteria provided, single submitter. Criteria: ICSL Variant Classification Criteria 13 December 2019. Collection method: clinical testing. Allele origin: germline.
Comment: This variant was observed in the ICSL laboratory as part of a predisposition screen in an ostensibly healthy population. It had not been previously curated by ICSL or reported in the Human Gene Mutation Database (HGMD: prior to June 1st, 2018), and was therefore a candidate for classification through an automated scoring system. Utilizing variant allele frequency, disease prevalence and penetrance estimates, and inheritance mode, an automated score was calculated to assess if this variant is too frequent to cause the disease. Based on the score and internal cut-off values, a variant classified as likely benign is not then subjected to further curation. The score for this variant resulted in a classification of likely benign for this disease.